The following is an entry in ClinVar:

ClinVar aggregate classification (germline): Likely benign. Review status: criteria provided, multiple submitters, no conflicts (2 of 4 stars). 3 submissions from 3 submitters: Likely benign (3). Last evaluated 2026-05-13.

Conditions:
Neurofibromatosis, type 1 (NF1). Also called: VON RECKLINGHAUSEN DISEASE; Neurofibromatosis, type I; NEUROFIBROMATOSIS, TYPE I, SOMATIC; Peripheral type neurofibromatosis. Identifiers: Orphanet 636, MedGen C0027831, MONDO:0018975, OMIM 162200. Disease mechanism: loss of function.

gnomAD v4.1: 3 of 1,613,068 alleles (0.00019%); highest among the groups gnomAD compares: Non-Finnish European, 0.00017%; no homozygotes.

Submissions (3):

Myriad Genetics, Inc.
Classification: Likely benign for Neurofibromatosis, type 1. Last evaluated: 2026-05-13. Review status: criteria provided, single submitter. Criteria: Myriad Autosomal Dominant, Autosomal Recessive and X-Linked Classification Criteria (2023). Collection method: clinical testing. Allele origin: unknown.
Comment: This variant is considered likely benign. This variant is intronic and is not expected to impact mRNA splicing.

Labcorp Genetics (formerly Invitae), Labcorp
Classification: Likely benign for Neurofibromatosis, type 1. Last evaluated: 2025-11-04. Review status: criteria provided, single submitter. Criteria: Invitae Variant Classification Sherloc (09022015). Collection method: clinical testing. Allele origin: germline.

Breakthrough Genomics
Classification: Likely benign. Review status: criteria provided, single submitter. Criteria: ACMG Guidelines, 2015. Collection method: not provided. Allele origin: germline. Inheritance: Autosomal dominant inheritance. Affected: yes.

NM_001042492.3(NF1):c.3975-12A>T

Gene: NF1 (neurofibromin 1; plus strand). Cytogenetic location: 17q11.2.
Variant type: single nucleotide variant.
Coding change: c.3975-12A>T on transcript NM_001042492.3 (MANE Select); 12 bases into the intron before coding-DNA position 3975, A replaced by T.
Molecular consequence: intron variant.
Genome position (GRCh38, 1-based): chr17:31,248,972, A>T. VCF-style: chr17-31248972-A-T. GRCh37 (hg19) VCF-style: chr17-29575990-A-T.
Other names: c.3975-12A>T (NM_000267.4).
Identifiers: ClinVar variation 1554404 (VCV001554404.10), dbSNP rs750100751, ClinGen allele CA625474047.
Genomic context (GRCh38, chr17:31,248,972, plus strand): 5'-CTCTTTTAAGGAGTGATTTTTGTTATTTGTTTTAAACAAAAGTGTTAGGATTTTATTTTT[A>T]TTTTTTTGTAGGTTAGAACCATCAGAGAGCCTTGAGGAAAACCAGCGGAACCTCCTTCAG-3'